The following is an entry in ClinVar:

ClinVar aggregate classification (germline): Uncertain significance (1 of 4 stars; one submission).

Submission:

GeneDx
Classification: Uncertain significance. Last evaluated: 2024-05-13. Review status: criteria provided, single submitter. Criteria: GeneDx Variant Classification Process June 2021. Collection method: clinical testing. Allele origin: germline. Affected: yes.
Comment: Not observed at significant frequency in large population cohorts (gnomAD); In silico analysis indicates that this missense variant does not alter protein structure/function; Has not been previously published as pathogenic or benign to our knowledge

NM_030777.4(SLC2A10):c.1007C>G (p.Thr336Ser)

Gene: SLC2A10 (solute carrier family 2 member 10; plus strand). Cytogenetic location: 20q13.12.
Variant type: single nucleotide variant.
Coding change: c.1007C>G on transcript NM_030777.4 (MANE Select); coding-DNA position 1007, C replaced by G.
Protein change: p.Thr336Ser; replaces threonine 336 with serine.
Molecular consequence: missense variant.
Genome position (GRCh38, 1-based): chr20:46,726,043, C>G. VCF-style: chr20-46726043-C-G. GRCh37 (hg19) VCF-style: chr20-45354682-C-G.
Other names: short protein forms T336S.
Identifiers: ClinVar variation 3378283 (VCV003378283.1).